The following is an entry in ClinVar:

ClinVar aggregate classification (germline): Uncertain significance. Review status: criteria provided, multiple submitters, no conflicts (2 of 4 stars). 4 submissions from 4 submitters: Uncertain significance (4). Last evaluated 2025-07-25.

Conditions:
Spermatogenic failure 28. Identifiers: MedGen C4748117, MONDO:0054732, OMIM 618086.
Premature ovarian failure 15. Identifiers: MedGen C4748170, MONDO:0054862, OMIM 618096.
Fanconi anemia (FA). Also called: Fanconi's anemia. Identifiers: Orphanet 84, MedGen C0015625, MeSH D005199, MONDO:0019391.

Allele frequency attached by ClinVar (database versions not stated): gnomAD below 0.00001 and 0.00003; TOPMed below 0.00001; gnomAD exomes 0.00003 and 0.00011; ExAC 0.00011; 1000 Genomes Project 0.00040; 1000 Genomes Project 30x 0.00047.
gnomAD v4.1: 59 of 1,613,802 alleles (0.0037%); highest among the groups gnomAD compares: South Asian, 0.058%; no homozygotes.

Submissions (4):

Quest Diagnostics Nichols Institute San Juan Capistrano
Classification: Uncertain significance. Last evaluated: 2025-07-25. Review status: criteria provided, single submitter. Criteria: Quest Diagnostics criteria. Collection method: clinical testing. Allele origin: unknown.
Comment: The FANCM c.5281C>G (p.Pro1761Ala) variant has been reported in the published literature in an individual with breast cancer and in reportedly unaffected individuals (PMID: 33471991 (2021), see also LOVD). The frequency of this variant in the general population (Genome Aggregation Database) is higher than would generally be expected for pathogenic variants in this gene. Analysis of this variant using bioinformatics tools for the prediction of the effect of amino acid changes on protein structure and function yielded predictions that this variant is benign. Based on the available information, we are unable to determine the clinical significance of this variant.

Labcorp Genetics (formerly Invitae), Labcorp
Classification: Uncertain significance for Fanconi anemia. Last evaluated: 2024-01-02. Review status: criteria provided, single submitter. Criteria: Invitae Variant Classification Sherloc (09022015). Collection method: clinical testing. Allele origin: germline.
Comment: This sequence change replaces proline, which is neutral and non-polar, with alanine, which is neutral and non-polar, at codon 1761 of the FANCM protein (p.Pro1761Ala). This variant is present in population databases (rs540327722, gnomAD 0.08%). This variant has not been reported in the literature in individuals affected with FANCM-related conditions. ClinVar contains an entry for this variant (Variation ID: 656142). An algorithm developed to predict the effect of missense changes on protein structure and function (PolyPhen-2) suggests that this variant¬†is likely to be tolerated. In summary, the available evidence is currently insufficient to determine the role of this variant in disease. Therefore, it has been classified as a Variant of Uncertain Significance.

Fulgent Genetics
Classification: Uncertain significance for Spermatogenic failure 28; Premature ovarian failure 15. Last evaluated: 2021-11-23. Review status: criteria provided, single submitter. Criteria: ACMG Guidelines, 2015. Collection method: clinical testing. Allele origin: unknown.

GeneDx
Classification: Uncertain significance. Last evaluated: 2021-03-24. Review status: criteria provided, single submitter. Criteria: GeneDx Variant Classification Process June 2021. Collection method: clinical testing. Allele origin: germline. Affected: yes.
Comment: In silico analysis supports that this missense variant does not alter protein structure/function; Has not been previously published as pathogenic or benign to our knowledge

Literature cited by the submitters: PubMed 33471991 (cited by Quest Diagnostics Nichols Institute San Juan Capistrano).

NM_020937.4(FANCM):c.5281C>G (p.Pro1761Ala)

Gene: FANCM (FA complementation group M; plus strand). Cytogenetic location: 14q21.2.
Variant type: single nucleotide variant.
Coding change: c.5281C>G on transcript NM_020937.4 (MANE Select); coding-DNA position 5281, C replaced by G.
Protein change: p.Pro1761Ala; replaces proline 1761 with alanine.
Molecular consequence: missense variant.
Genome position (GRCh38, 1-based): chr14:45,189,303, C>G. VCF-style: chr14-45189303-C-G. GRCh37 (hg19) VCF-style: chr14-45658506-C-G.
Other names: c.5281C>G (LRG_502t1, NM_020937.3); c.5203C>G, p.Pro1735Ala (NM_001308133.2); short protein forms P1735A, P1761A.
Identifiers: ClinVar variation 656142 (VCV000656142.11), dbSNP rs540327722, ClinGen allele CA7169951.